The following is an entry in ClinVar:

NM_020457.3(THAP11):c.392_393insACAGCAGCAGCAGCAGCA (p.Gln132_Ser133insGlnGlnGlnGlnGlnGln)

Genes: CENPT (centromere protein T; minus strand), THAP11 (THAP domain containing 11; plus strand). Cytogenetic location: 16q22.1.
Variant type: Microsatellite.
Coding change: c.392_393insACAGCAGCAGCAGCAGCA on transcript NM_020457.3 (MANE Select); coding-DNA positions 392 to 393, ACAGCAGCAGCAGCAGCA inserted.
Protein change: p.Gln132_Ser133insGlnGlnGlnGlnGlnGln.
Molecular consequence: inframe insertion. On other transcripts: intron variant (1).
Genome position: GRCh38 VCF-style: chr16-67842929-G-GCAGCAGCAGCAGCAGCAA. GRCh37 (hg19) VCF-style: chr16-67876832-G-GCAGCAGCAGCAGCAGCAA.
Other names: c.-492+4471_-492+4472insTGCTGCTGCTGCTGCTGT (NM_025082.4).
Identifiers: ClinVar variation 2899059 (VCV002899059.3), dbSNP rs773311230.

ClinVar aggregate classification (germline): Uncertain significance (1 of 4 stars; one submission).

Submission:

Labcorp Genetics (formerly Invitae), Labcorp
Classification: Uncertain significance. Last evaluated: 2025-01-21. Review status: criteria provided, single submitter. Criteria: Invitae Variant Classification Sherloc (09022015). Collection method: clinical testing. Allele origin: germline.
Comment: This variant, c.392_393insACAGCAGCAGCAGCAGCA, results in the insertion of 6 amino acid(s) of the THAP11 protein (p.Gln127_Gln132dup), but otherwise preserves the integrity of the reading frame. The frequency data for this variant in the population databases is considered unreliable, as metrics indicate poor data quality at this position in the gnomAD database. This variant has not been reported in the literature in individuals affected with THAP11-related conditions. In summary, the available evidence is currently insufficient to determine the role of this variant in disease. Therefore, it has been classified as a Variant of Uncertain Significance.